The following is an entry in ClinVar:

NM_024027.5(COLEC11):c.329-6C>T

Gene: COLEC11 (collectin subfamily member 11; plus strand). Cytogenetic location: 2p25.3.
Variant type: single nucleotide variant.
Coding change: c.329-6C>T on transcript NM_024027.5 (MANE Select); 6 bases into the intron before coding-DNA position 329, C replaced by T.
Molecular consequence: intron variant.
Genome position (GRCh38, 1-based): chr2:3,643,438, C>T. VCF-style: chr2-3643438-C-T. GRCh37 (hg19) VCF-style: chr2-3691028-C-T.
Other names: c.320-6C>T (NM_199235.3); c.257-6C>T (NM_001255983.2, NM_001255982.2); c.185-6C>T (NM_001255984.2); c.371-6C>T (NM_001255985.1); c.251-6C>T (NM_001255986.1); c.179-6C>T (NM_001255988.1, NM_001255987.1); c.107-6C>T (NM_001255989.1).
Identifiers: ClinVar variation 3048079 (VCV003048079.2), dbSNP rs1292599300, ClinGen allele CA530847798.
Genomic context (GRCh38, chr2:3,643,438, plus strand): 5'-CCTCGCCTCTCTTCTGAGTCCGAGTCCTCATCCAGCGTTTGTAACGCGTGGGCCTGGCCC[C>T]CGCAGGCCTCCCATGTGAGTGCAGCCAGCTGCGCAAGGCCATCGGGGAGATGGACAACCA-3'

ClinVar aggregate classification (germline): Likely benign (0 of 4 stars; one submission).

Conditions:
COLEC11-related disorder. Also called: COLEC11-related condition.

Allele frequency attached by ClinVar (database versions not stated): gnomAD exomes below 0.00001; gnomAD 0.00002; TOPMed 0.00002.
gnomAD v4.1: 6 of 1,611,692 alleles (0.00037%); highest among the groups gnomAD compares: Non-Finnish European, 0.00051%; no homozygotes.

Submission:

PreventionGenetics, part of Exact Sciences
Classification: Likely benign for COLEC11-related condition. Last evaluated: 2019-12-03. Review status: no assertion criteria provided. Collection method: clinical testing. Allele origin: germline.
Comment: This variant is classified as likely benign based on ACMG/AMP sequence variant interpretation guidelines (Richards et al. 2015 PMID: 25741868, with internal and published modifications).